The following is an entry in ClinVar:

ClinVar aggregate classification (germline): Uncertain significance (1 of 4 stars; one submission).

Conditions:
PLXNA4-related disorder. Also called: PLXNA4-related condition.

Allele frequency attached by ClinVar (database versions not stated): TOPMed below 0.00001; gnomAD 0.00001; gnomAD exomes 0.00001; ExAC 0.00002.
gnomAD v4.1: 13 of 1,613,970 alleles (0.00081%); highest among the groups gnomAD compares: African/African-American, 0.0027%; no homozygotes.

Submission:

PreventionGenetics, part of Exact Sciences
Classification: Uncertain significance for PLXNA4-related condition. Last evaluated: 2026-02-13. Review status: criteria provided, single submitter. Criteria: ACMG Guidelines, 2015. Collection method: clinical testing. Allele origin: germline.
Comment: The PLXNA4 c.1385G>T variant is predicted to result in the amino acid substitution p.Gly462Val. On an alternate transcript (NM_020911.1), this variant is referred to as c.1371+4292G>T (Intronic). To our knowledge, this variant has not been reported in the literature. This variant is reported in 0.0035% of alleles in individuals of European (Non-Finnish) descent in gnomAD. At this time, the clinical significance of this variant is uncertain due to the absence of conclusive functional and genetic evidence.

NM_020911.2(PLXNA4):c.1371+4292G>T

Gene: PLXNA4 (plexin A4; minus strand). Cytogenetic location: 7q32.3.
Variant type: single nucleotide variant.
Coding change: c.1371+4292G>T on transcript NM_020911.2 (MANE Select); 4292 bases into the intron after coding-DNA position 1371, G replaced by T.
Molecular consequence: intron variant. On other transcripts: missense variant (1).
Genome position (GRCh38, 1-based): chr7:132,485,000, C>A on the plus strand (G>T on the coding strand, the complement: PLXNA4 is on the minus strand). VCF-style: chr7-132485000-C-A. GRCh37 (hg19) VCF-style: chr7-132169759-C-A.
Other names: c.1385G>T, p.Gly462Val (NM_181775.4); c.1371+4292G>T (NM_001393897.1, NM_001105543.2); short protein forms G462V.
Identifiers: ClinVar variation 2634705 (VCV002634705.2), dbSNP rs761052923, ClinGen allele CA4490276.
Genomic context (GRCh38, chr7:132,485,000, plus strand): 5'-TTCGCCCCAGGTGGGTCTCCCTCCACTCCAATCCACTCCTGGGTGATTCCCCCTTGTGGA[C>A]CTGTGCCGAAGGACTAGGGAACAAAAGCAAATTAATTTTAAAACAGGCTTGAGAAAAAAA-3'